The following is an entry in ClinVar:

ClinVar aggregate classification (germline): Uncertain significance (1 of 4 stars; one submission).

Submission:

GeneDx
Classification: Uncertain significance. Last evaluated: 2025-07-13. Review status: criteria provided, single submitter. Criteria: GeneDx Variant Classification Process June 2021. Collection method: clinical testing. Allele origin: germline. Affected: yes.
Comment: Not observed at significant frequency in large population cohorts (gnomAD); In silico analysis supports that this missense variant has a deleterious effect on protein structure/function; Has not been previously published as pathogenic or benign to our knowledge

NM_014974.3(DIP2C):c.3811C>T (p.Pro1271Ser)

Gene: DIP2C (DIP2 acetate--CoA ligase C (putative); minus strand). Cytogenetic location: 10p15.3.
Variant type: single nucleotide variant.
Coding change: c.3811C>T on transcript NM_014974.3 (MANE Select); coding-DNA position 3811, C replaced by T.
Protein change: p.Pro1271Ser; replaces proline 1271 with serine.
Molecular consequence: missense variant.
Genome position (GRCh38, 1-based): chr10:327,119, G>A on the plus strand (C>T on the coding strand, the complement: DIP2C is on the minus strand). VCF-style: chr10-327119-G-A. GRCh37 (hg19) VCF-style: chr10-373059-G-A.
Other names: short protein forms P1271S.
Identifiers: ClinVar variation 4686339 (VCV004686339.1).